The following is an entry in ClinVar:

ClinVar aggregate classification (germline): Uncertain significance (1 of 4 stars; one submission).

Conditions:
Hereditary nonpolyposis colorectal neoplasms. Identifiers: MedGen C0009405, MeSH D003123.

Submission:

Labcorp Genetics (formerly Invitae), Labcorp
Classification: Uncertain significance for Hereditary nonpolyposis colorectal neoplasms. Last evaluated: 2024-12-09. Review status: criteria provided, single submitter. Criteria: Invitae Variant Classification Sherloc (09022015). Collection method: clinical testing. Allele origin: germline.
Comment: This sequence change replaces serine, which is neutral and polar, with alanine, which is neutral and non-polar, at codon 69 of the PMS2 protein (p.Ser69Ala). This variant is not present in population databases (gnomAD no frequency). This variant has not been reported in the literature in individuals affected with PMS2-related conditions. Invitae Evidence Modeling incorporating data from in vitro experimental studies (internal data) indicates that this missense variant is not expected to disrupt PMS2 function with a negative predictive value of 95%. In summary, the available evidence is currently insufficient to determine the role of this variant in disease. Therefore, it has been classified as a Variant of Uncertain Significance.

NM_000535.7(PMS2):c.205T>G (p.Ser69Ala)

Gene: PMS2 (PMS1 homolog 2, mismatch repair system component; minus strand). Cytogenetic location: 7p22.1.
Variant type: single nucleotide variant.
Coding change: c.205T>G on transcript NM_000535.7 (MANE Select); coding-DNA position 205, T replaced by G.
Protein change: p.Ser69Ala; replaces serine 69 with alanine.
Molecular consequence: missense variant. On other transcripts: 5 prime UTR variant (44), non-coding transcript variant (1), intron variant (1).
Genome position (GRCh38, 1-based): chr7:6,004,017, A>C on the plus strand (T>G on the coding strand, the complement: PMS2 is on the minus strand). VCF-style: chr7-6004017-A-C. GRCh37 (hg19) VCF-style: chr7-6043648-A-C.
Other names: c.-680T>G (NM_001322012.2, NM_001322011.2); c.-201T>G (NM_001322013.2, NM_001406887.1, NM_001406891.1 and 13 more transcripts); c.205T>G, p.Ser69Ala (NM_001322014.2, NM_001406868.1, NM_001406869.1 and 10 more transcripts); c.-280T>G (NM_001322015.2, NM_001406875.1, NM_001406877.1 and 3 more transcripts); c.391T>G, p.Ser131Ala (NM_001406866.1); c.-11T>G (NM_001406876.1, NM_001406883.1, NM_001406901.1 and 4 more transcripts); c.-227T>G (NM_001406880.1); c.-177T>G (NM_001406881.1, NM_001406900.1); and 3 more; short protein forms S69A, S131A.
Identifiers: ClinVar variation 3664598 (VCV003664598.2).
Genomic context (GRCh38, chr7:6,004,017, plus strand): 5'-AAAAAGTCAACTTACTTAAGCCTTCGAAGTTTTCTTCTTCTACCCCACATCCATTGTCTG[A>C]AACTTCAATAAGATCCACTCCATAGTCCTTAAGCTTTAGATCTAGAAAGTTTAAAATATT-3'
Protein context (NP_000526.2, residues 59-79): KDYGVDLIEV[Ser69Ala]DNGCGVEEEN